The following is an entry in ClinVar:

NM_152564.5(VPS13B):c.7726C>T (p.Leu2576Phe)

Gene: VPS13B (vacuolar protein sorting 13 homolog B; plus strand). Cytogenetic location: 8q22.2.
Variant type: single nucleotide variant.
Coding change: c.7726C>T on transcript NM_152564.5 (MANE Select); coding-DNA position 7726, C replaced by T.
Protein change: p.Leu2576Phe; replaces leucine 2576 with phenylalanine.
Molecular consequence: missense variant.
Genome position (GRCh38, 1-based): chr8:99,778,978, C>T. VCF-style: chr8-99778978-C-T. GRCh37 (hg19) VCF-style: chr8-100791206-C-T.
Other names: c.7801C>T, p.Leu2601Phe (NM_017890.5); short protein forms L2576F, L2601F.
Identifiers: ClinVar variation 3357120 (VCV003357120.1).

ClinVar aggregate classification (germline): Uncertain significance (0 of 4 stars; one submission).

Conditions:
VPS13B-related disorder. Also called: VPS13B-related condition.

gnomAD v4.1: 2 of 1,613,736 alleles (0.00012%); highest among the groups gnomAD compares: Non-Finnish European, 0.00017%; no homozygotes.

Submission:

PreventionGenetics, part of Exact Sciences
Classification: Uncertain significance for VPS13B-related condition. Last evaluated: 2024-07-05. Review status: no assertion criteria provided. Collection method: clinical testing. Allele origin: germline.
Comment: The VPS13B c.7726C>T variant is predicted to result in the amino acid substitution p.Leu2576Phe. To our knowledge, this variant has not been reported in the literature or in a large population database, indicating this variant is rare. At this time, the clinical significance of this variant is uncertain due to the absence of conclusive functional and genetic evidence.